The following is an entry in ClinVar:

NM_014855.3(AP5Z1):c.881G>A (p.Arg294Gln)

Gene: AP5Z1 (adaptor related protein complex 5 subunit zeta 1; plus strand). Cytogenetic location: 7p22.1.
Variant type: single nucleotide variant.
Coding change: c.881G>A on transcript NM_014855.3 (MANE Select); coding-DNA position 881, G replaced by A.
Protein change: p.Arg294Gln; replaces arginine 294 with glutamine.
Molecular consequence: missense variant. On other transcripts: non-coding transcript variant (1).
Genome position (GRCh38, 1-based): chr7:4,784,998, G>A. VCF-style: chr7-4784998-G-A. GRCh37 (hg19) VCF-style: chr7-4824629-G-A.
Other names: p.Arg294Gln; c.413G>A, p.Arg138Gln (NM_001364858.1); c.881G>A, p.Arg294Gln (LRG_1247t1); short protein forms R294Q, R138Q.
Identifiers: ClinVar variation 360320 (VCV000360320.67), dbSNP rs200957609, ClinGen allele CA4137439.
Genomic context (GRCh38, chr7:4,784,998, plus strand): 5'-TGTCGGTGATCTCCGCCACCTCCTCTGCCGGCCGCCTGCTGCCGCCCCGGGAGCGGCTTC[G>A]GGAGGTGGCCTTCGAGTACTGCCAGCGCCTCATTGAGCAAAGTAACCGACGTGAGTCCCC-3'
Protein context (NP_055670.1, residues 284-304): GRLLPPRERL[Arg294Gln]EVAFEYCQRL

ClinVar aggregate classification (germline): Conflicting classifications of pathogenicity. Review status: criteria provided, conflicting classifications (1 of 4 stars). 11 submissions from 11 submitters: Uncertain significance (1); Benign (3); Likely benign (4). 3 of the submissions do not count toward it. Last evaluated 2026-06-01.

Conditions:
Hereditary spastic paraplegia 48. Also called: Spastic paraplegia 48; SPASTIC PARAPLEGIA 48, AUTOSOMAL RECESSIVE. Identifiers: Orphanet 306511, MedGen C3150901, MONDO:0013342, OMIM 613647.
Inborn genetic diseases. Identifiers: MedGen C0950123, MeSH D030342.
Hereditary spastic paraplegia. Also called: Familial spastic paraparesis. Identifiers: Orphanet 685, MedGen C0037773, MONDO:0019064. Disease mechanism: loss of function.

Allele frequency attached by ClinVar (database versions not stated): 1000 Genomes Project 0.00120; 1000 Genomes Project 30x 0.00141; TOPMed 0.00237; ESP Exome Variant Server 0.00241; gnomAD 0.00271 and 0.00278; gnomAD exomes 0.00310; ExAC 0.00334.

Submissions (11):

CeGaT Center for Human Genetics Tuebingen
Classification: Likely benign. Last evaluated: 2026-06-01. Review status: criteria provided, single submitter. Criteria: CeGaT Center For Human Genetics Tuebingen Variant Classification Criteria Version 2. Collection method: clinical testing. Allele origin: germline. Affected: yes. Observed: 9 variant alleles.
Comment: AP5Z1: BP4, BS2

Labcorp Genetics (formerly Invitae), Labcorp
Classification: Benign for Hereditary spastic paraplegia 48. Last evaluated: 2026-01-01. Review status: criteria provided, single submitter. Criteria: Invitae Variant Classification Sherloc (09022015). Collection method: clinical testing. Allele origin: germline.

Athena Diagnostics
Classification: Benign. Last evaluated: 2024-08-30. Review status: criteria provided, single submitter. Criteria: Athena Diagnostics Criteria. Collection method: clinical testing. Allele origin: unknown.

Mayo Clinic Laboratories, Mayo Clinic
Classification: Benign. Last evaluated: 2021-10-19. Review status: criteria provided, single submitter. Criteria: ACMG Guidelines, 2015. Collection method: clinical testing. Allele origin: germline. Observed: 8 variant alleles.
Comment: BS1, BS2

Ambry Genetics
Classification: Likely benign for Inborn genetic diseases. Last evaluated: 2021-08-24. Review status: criteria provided, single submitter. Criteria: Ambry Variant Classification Scheme 2023. Collection method: clinical testing. Allele origin: germline.

GeneDx
Classification: Likely benign. Last evaluated: 2020-09-11. Review status: criteria provided, single submitter. Criteria: GeneDx Variant Classification Process June 2021. Collection method: clinical testing. Allele origin: germline. Affected: yes.

Genome Diagnostics Laboratory, The Hospital for Sick Children
Classification: Likely benign for Hereditary spastic paraplegia. Last evaluated: 2020-07-15. Review status: criteria provided, single submitter. Criteria: ACMG Guidelines, 2015. Collection method: clinical testing. Allele origin: germline. Affected: yes.

Illumina Laboratory Services, Illumina
Classification: Uncertain significance for Hereditary spastic paraplegia 48. Last evaluated: 2018-01-13. Review status: criteria provided, single submitter. Criteria: ICSL Variant Classification Criteria 13 December 2019. Collection method: clinical testing. Allele origin: germline.

Clinical Genetics DNA and cytogenetics Diagnostics Lab, Erasmus MC, Erasmus Medical Center
Classification: Likely benign. Review status: no assertion criteria provided. Collection method: clinical testing. Allele origin: germline. Affected: yes. Study: VKGL Data-share Consensus. Not counted in ClinVar's aggregate classification.

Joint Genome Diagnostic Labs from Nijmegen and Maastricht, Radboudumc and MUMC+
Classification: Likely benign. Review status: no assertion criteria provided. Collection method: clinical testing. Allele origin: germline. Affected: yes. Study: VKGL Data-share Consensus. Not counted in ClinVar's aggregate classification.

Laboratory of Diagnostic Genome Analysis, Leiden University Medical Center (LUMC)
Classification: Likely benign. Review status: no assertion criteria provided. Collection method: clinical testing. Allele origin: germline. Affected: yes. Study: VKGL Data-share Consensus. Not counted in ClinVar's aggregate classification.